The following is an entry in ClinVar:

NM_001793.6(CDH3):c.661C>T (p.Arg221Ter)

Gene: CDH3 (cadherin 3; plus strand). Cytogenetic location: 16q22.1.
Variant type: single nucleotide variant.
Coding change: c.661C>T on transcript NM_001793.6 (MANE Select); coding-DNA position 661, C replaced by T.
Protein change: p.Arg221Ter; replaces arginine 221 with a stop codon.
Molecular consequence: nonsense.
Genome position (GRCh38, 1-based): chr16:68,678,876, C>T. VCF-style: chr16-68678876-C-T. GRCh37 (hg19) VCF-style: chr16-68712779-C-T.
Other names: c.661C>T, p.Arg221Ter (NM_001317195.3); c.496C>T, p.Arg166Ter (NM_001317196.2); short protein forms R221*, R166*.
Identifiers: ClinVar variation 1454138 (VCV001454138.8), dbSNP rs761941770, ClinGen allele CA8129091.

ClinVar aggregate classification (germline): Pathogenic. Review status: criteria provided, multiple submitters, no conflicts (2 of 4 stars). 3 submissions from 3 submitters: Pathogenic (3). Last evaluated 2025-08-01.

Conditions:
Congenital hypotrichosis with juvenile macular dystrophy (HJMD). Also called: HYPOTRICHOSIS WITH CONE-ROD DYSTROPHY. Identifiers: Orphanet 1573, MedGen C1832162, MONDO:0011107, OMIM 601553.

Allele frequency attached by ClinVar (database versions not stated): ExAC 0.00001; gnomAD exomes below 0.00001 and 0.00001.
gnomAD v4.1: 4 of 1,613,978 alleles (0.00025%); highest among the groups gnomAD compares: Admixed American, 0.0017%; no homozygotes.

Submissions (3):

3billion
Classification: Pathogenic for Congenital hypotrichosis with juvenile macular dystrophy. Last evaluated: 2025-08-01. Review status: criteria provided, single submitter. Criteria: ACMG Guidelines, 2015. Collection method: clinical testing. Allele origin: germline. Affected: yes.
Comment: The variant is observed at an extremely low frequency in the gnomAD v4.1.0 dataset (total allele frequency: <0.001%). Predicted Consequence/Location: Stop-gained (nonsense): predicted to result in a loss or disruption of normal protein function through nonsense-mediated decay (NMD) or protein truncation. Multiple pathogenic variants are reported downstream of the variant. The variant has been reported at least twice as pathogenic without evidence for the classification (ClinVar ID: VCV001454138 /PMID: 17342797). Therefore, this variant is classified as Pathogenic according to the recommendation of ACMG/AMP guideline.

Labcorp Genetics (formerly Invitae), Labcorp
Classification: Pathogenic. Last evaluated: 2022-12-16. Review status: criteria provided, single submitter. Criteria: Invitae Variant Classification Sherloc (09022015). Collection method: clinical testing. Allele origin: germline.
Comment: This sequence change creates a premature translational stop signal (p.Arg221*) in the CDH3 gene. It is expected to result in an absent or disrupted protein product. Loss-of-function variants in CDH3 are known to be pathogenic (PMID: 15805154, 27386845, 29620724). This variant is present in population databases (rs761941770, gnomAD 0.003%). This premature translational stop signal has been observed in individual(s) with hypotrichosis with juvenile macular dystrophy (PMID: 17342797, 34301208). ClinVar contains an entry for this variant (Variation ID: 1454138). For these reasons, this variant has been classified as Pathogenic.

Medical Genetics UMG, Mater Domini University Hospital/ Magna Graecia University of Catanzaro
Classification: Pathogenic for Congenital hypotrichosis with juvenile macular dystrophy. Review status: criteria provided, single submitter. Criteria: ACMG Guidelines, 2015. Collection method: clinical testing. Allele origin: germline. Inheritance: Autosomal recessive inheritance. Affected: yes. Observed: 1 compound heterozygote.
Comment: The c.661C>T (p.Arg221Ter) variant results from a C to T substitution in exon 6 of the CDH3 gene, leading to a premature stop codon with loss of function. The frequency of this variant in gnomAD database is 0.00000797.

Literature cited by the submitters: PubMed 17342797 (cited by 3billion and Labcorp Genetics (formerly Invitae), Labcorp); PubMed 15805154 (cited by Labcorp Genetics (formerly Invitae), Labcorp); PubMed 27386845 (cited by Labcorp Genetics (formerly Invitae), Labcorp); PubMed 29620724 (cited by Labcorp Genetics (formerly Invitae), Labcorp); PubMed 34301208 (cited by Labcorp Genetics (formerly Invitae), Labcorp and Medical Genetics UMG, Mater Domini University Hospital/ Magna Graecia University of Catanzaro).